The following is an entry in ClinVar:

ClinVar aggregate classification (germline): Pathogenic (1 of 4 stars; one submission).

Conditions:
Autosomal dominant Alport syndrome (ATS3A). Also called: Alport syndrome dominant type; Renal failure and sensorineural hearing loss; ALPORT SYNDROME 3A, AUTOSOMAL DOMINANT. Identifiers: Orphanet 63, Orphanet 88918, MedGen C5882663, MONDO:0007086, OMIM 104200.

Submission:

INGEBI, INGEBI / CONICET
Classification: Pathogenic for Autosomal dominant Alport syndrome. Last evaluated: 2021-07-15. Review status: criteria provided, single submitter. Criteria: ClinGen HL ACMG Specifications v1. Collection method: clinical testing. Allele origin: germline. Inheritance: Autosomal dominant inheritance. Affected: yes. Observed: 1 variant allele.
Comment: Based on ACMG/AMP guidelines and Hearing Loss Expert Panel specific criteria: the c.3500G>A; p.Gly1167Glu t is absent from population databases meeting PM2. Besides, this novel missense change is at an aminoacid residue where a different pathogenic missense change has reported before: p.Gly1167Arg (PMID: 11134255) applying to PM5. This variant is located in a well studied functional domain (Gly residues in Gly-X-Y motifs of COL4A3) meeting PM1. Finally, computational evidence demonstrated a damage impact of the mutation to the protein (REVEL=0,99) PP3. Taking all the information together: PM2, PS2, PM1, PM5 and PP3 the variant is classified as PATHOGENIC

NM_000091.5(COL4A3):c.3500G>A (p.Gly1167Glu)

Genes: COL4A3 (collagen type IV alpha 3 chain; plus strand), MFF-DT (MFF divergent transcript; minus strand). Cytogenetic location: 2q36.3.
Variant type: single nucleotide variant.
Coding change: c.3500G>A on transcript NM_000091.5 (MANE Select); coding-DNA position 3500, G replaced by A.
Protein change: p.Gly1167Glu; replaces glycine 1167 with glutamic acid.
Molecular consequence: missense variant.
Genome position (GRCh38, 1-based): chr2:227,295,045, G>A. VCF-style: chr2-227295045-G-A. GRCh37 (hg19) VCF-style: chr2-228159761-G-A.
Other names: short protein forms G1167E.
Identifiers: ClinVar variation 1185593 (VCV001185593.2), dbSNP rs2106236091, ClinGen allele CA350858954.